The following is an entry in ClinVar:

ClinVar aggregate classification (germline): Uncertain significance (1 of 4 stars; one submission).

Conditions:
IFT172-related disorder. Also called: IFT172-related disorders; IFT172-related condition.

Submission:

PreventionGenetics, part of Exact Sciences
Classification: Uncertain significance for IFT172-related condition. Last evaluated: 2024-10-16. Review status: criteria provided, single submitter. Criteria: ACMG Guidelines, 2015. Collection method: clinical testing. Allele origin: germline.
Comment: The IFT172 c.1829+3G>T variant is predicted to interfere with splicing. This variant is predicted to impact splicing based on an available splicing prediction algorithm (SpliceAI, Jaganathan et al. 2019. PubMed ID: 30661751). To our knowledge, this variant has not been reported in the literature or in a large population database (gnomAD), indicating this variant is rare. At this time, the clinical significance of this variant is uncertain due to the absence of conclusive functional and genetic evidence.

NM_015662.3(IFT172):c.1829+3G>T

Gene: IFT172 (intraflagellar transport 172; minus strand). Cytogenetic location: 2p23.3.
Variant type: single nucleotide variant.
Coding change: c.1829+3G>T on transcript NM_015662.3 (MANE Select); 3 bases into the intron after coding-DNA position 1829, G replaced by T.
Molecular consequence: intron variant.
Genome position (GRCh38, 1-based): chr2:27,465,743, C>A on the plus strand (G>T on the coding strand, the complement: IFT172 is on the minus strand). VCF-style: chr2-27465743-C-A. GRCh37 (hg19) VCF-style: chr2-27688610-C-A.
Other names: c.1763+3G>T (NM_001410739.1).
Identifiers: ClinVar variation 5001879 (VCV005001879.1).
Genomic context (GRCh38, chr2:27,465,743, plus strand): 5'-AGGTCCTCCCCTCTCAGAACCAGACTCTCCCACCACCTCACTGGTTATTGGCCAGCCTCT[C>A]ACCGGATGTAGTTGCCATCATCAATGGCTGTTCCAAACTCGATGAGGCCCTCATCCAATG-3'